The following is an entry in ClinVar:

NM_020693.4(DSCAML1):c.4190C>T (p.Ser1397Leu)

Gene: DSCAML1 (DS cell adhesion molecule like 1; minus strand). Cytogenetic location: 11q23.3.
Variant type: single nucleotide variant.
Coding change: c.4190C>T on transcript NM_020693.4 (MANE Select); coding-DNA position 4190, C replaced by T.
Protein change: p.Ser1397Leu; replaces serine 1397 with leucine.
Molecular consequence: missense variant.
Genome position (GRCh38, 1-based): chr11:117,438,938, G>A on the plus strand (C>T on the coding strand, the complement: DSCAML1 is on the minus strand). VCF-style: chr11-117438938-G-A. GRCh37 (hg19) VCF-style: chr11-117309654-G-A.
Other names: short protein forms S1397L.
Identifiers: ClinVar variation 2419553 (VCV002419553.6), dbSNP rs759021316, ClinGen allele CA6296459.
Genomic context (GRCh38, chr11:117,438,938, plus strand): 5'-TCCTCACCTCGGATGGAGCTGCCCCCATTGTCACCTGGAATCCAGGTCAGGGTGATGGAC[G>A]AAGCTGAGGTTTTGGAGACAGTGAGGCGGGGCTGGTCCGGGGGAACTGTGAGGGGAAAGC-3'
Protein context (NP_065744.3, residues 1387-1407): PRLTVSKTSA[Ser1397Leu]SITLTWIPGD

ClinVar aggregate classification (germline): Uncertain significance (1 of 4 stars; one submission).

Allele frequency attached by ClinVar (database versions not stated): ExAC 0.00001; TOPMed 0.00003; gnomAD 0.00004.
gnomAD v4.1: 104 of 1,609,274 alleles (0.0065%); highest among the groups gnomAD compares: Admixed American, 0.0085%; no homozygotes.

Submission:

Labcorp Genetics (formerly Invitae), Labcorp
Classification: Uncertain significance. Last evaluated: 2025-03-17. Review status: criteria provided, single submitter. Criteria: Invitae Variant Classification Sherloc (09022015). Collection method: clinical testing. Allele origin: germline.
Comment: This sequence change replaces serine, which is neutral and polar, with leucine, which is neutral and non-polar, at codon 1457 of the DSCAML1 protein (p.Ser1457Leu). This variant is present in population databases (rs759021316, gnomAD 0.006%). This variant has not been reported in the literature in individuals affected with DSCAML1-related conditions. ClinVar contains an entry for this variant (Variation ID: 2419553). An algorithm developed to predict the effect of missense changes on protein structure and function (PolyPhen-2) suggests that this variant is likely to be disruptive. In summary, the available evidence is currently insufficient to determine the role of this variant in disease. Therefore, it has been classified as a Variant of Uncertain Significance.